The following is an entry in ClinVar:

NM_002439.5(MSH3):c.2543+3A>G

Gene: MSH3 (mutS homolog 3; plus strand). Cytogenetic location: 5q14.1.
Variant type: single nucleotide variant.
Coding change: c.2543+3A>G on transcript NM_002439.5 (MANE Select); 3 bases into the intron after coding-DNA position 2543, A replaced by G.
Molecular consequence: intron variant.
Genome position (GRCh38, 1-based): chr5:80,787,675, A>G. VCF-style: chr5-80787675-A-G. GRCh37 (hg19) VCF-style: chr5-80083494-A-G.
Identifiers: ClinVar variation 1372934 (VCV001372934.9), dbSNP rs781690068, ClinGen allele CA121335526.

ClinVar aggregate classification (germline): Uncertain significance. Review status: criteria provided, multiple submitters, no conflicts (2 of 4 stars). 2 submissions from 2 submitters: Uncertain significance (2). Last evaluated 2025-12-11.

Conditions:
Hereditary cancer-predisposing syndrome. Also called: Neoplastic Syndromes, Hereditary; Tumor predisposition; Hereditary neoplastic syndrome; Hereditary Cancer Syndrome. Identifiers: Orphanet 140162, MedGen C0027672, MeSH D009386, MONDO:0015356.

Allele frequency attached by ClinVar (database versions not stated): gnomAD exomes 0.00001.
gnomAD v4.1: 16 of 1,601,660 alleles (0.001%); highest among the groups gnomAD compares: Non-Finnish European, 0.0012%; no homozygotes.

Submissions (2):

Ambry Genetics
Classification: Uncertain significance for Hereditary cancer-predisposing syndrome. Last evaluated: 2025-12-11. Review status: criteria provided, single submitter. Criteria: Ambry Variant Classification Scheme 2023. Collection method: clinical testing. Allele origin: germline.
Comment: The c.2543+3A>G intronic variant results from an A to G substitution 3 nucleotides after coding exon 18 in the MSH3 gene. This nucleotide position is well conserved in available vertebrate species. In silico splice site analysis predicts that this alteration will not have any significant effect on splicing. Based on the available evidence, the clinical significance of this variant remains unclear.

Labcorp Genetics (formerly Invitae), Labcorp
Classification: Uncertain significance. Last evaluated: 2025-05-30. Review status: criteria provided, single submitter. Criteria: Invitae Variant Classification Sherloc (09022015). Collection method: clinical testing. Allele origin: germline.
Comment: This sequence change falls in intron 18 of the MSH3 gene. It does not directly change the encoded amino acid sequence of the MSH3 protein. It affects a nucleotide within the consensus splice site. This variant is not present in population databases (gnomAD no frequency). This variant has not been reported in the literature in individuals affected with MSH3-related conditions. ClinVar contains an entry for this variant (Variation ID: 1372934). Variants that disrupt the consensus splice site are a relatively common cause of aberrant splicing (PMID: 17576681, 9536098). Algorithms developed to predict the effect of sequence changes on RNA splicing suggest that this variant is not likely to affect RNA splicing. In summary, the available evidence is currently insufficient to determine the role of this variant in disease. Therefore, it has been classified as a Variant of Uncertain Significance.

Literature cited by the submitters: PubMed 17576681 (cited by Labcorp Genetics (formerly Invitae), Labcorp); PubMed 9536098 (cited by Labcorp Genetics (formerly Invitae), Labcorp).